The following is an entry in ClinVar:

ClinVar aggregate classification (germline): Pathogenic (1 of 4 stars; one submission).

Submission:

Labcorp Genetics (formerly Invitae), Labcorp
Classification: Pathogenic. Last evaluated: 2024-11-04. Review status: criteria provided, single submitter. Criteria: Invitae Variant Classification Sherloc (09022015). Collection method: clinical testing. Allele origin: germline.
Comment: This sequence change creates a premature translational stop signal (p.Arg2835*) in the PCNT gene. It is expected to result in an absent or disrupted protein product. Loss-of-function variants in PCNT are known to be pathogenic (PMID: 18174396, 22821869). This variant is not present in population databases (gnomAD no frequency). This variant has not been reported in the literature in individuals affected with PCNT-related conditions. For these reasons, this variant has been classified as Pathogenic.

Literature cited by the submitters: PubMed 18174396; PubMed 22821869.

NM_006031.6(PCNT):c.8503A>T (p.Arg2835Ter)

Gene: PCNT (pericentrin; plus strand). Cytogenetic location: 21q22.3.
Variant type: single nucleotide variant.
Coding change: c.8503A>T on transcript NM_006031.6 (MANE Select); coding-DNA position 8503, A replaced by T.
Protein change: p.Arg2835Ter; replaces arginine 2835 with a stop codon.
Molecular consequence: nonsense.
Genome position (GRCh38, 1-based): chr21:46,431,967, A>T. VCF-style: chr21-46431967-A-T. GRCh37 (hg19) VCF-style: chr21-47851881-A-T.
Other names: c.8149A>T, p.Arg2717Ter (NM_001315529.2); short protein forms R2835*, R2717*.
Identifiers: ClinVar variation 3724429 (VCV003724429.2).